The following is an entry in ClinVar:

ClinVar aggregate classification (germline): Uncertain significance. Review status: criteria provided, multiple submitters, no conflicts (2 of 4 stars). 2 submissions from 2 submitters: Uncertain significance (2). Last evaluated 2025-10-23.

Conditions:
Paget disease of bone 2, early-onset (PDB2). Also called: Paget disease of bone 2. Identifiers: MedGen C4085251, MONDO:0011183, OMIM 602080.
Frontotemporal dementia and/or amyotrophic lateral sclerosis 1 (FTDALS1). Also called: Frontotemporal dementia with motor neuron disease 1; C9orf72 Frontotemporal Dementia and/or Amyotrophic Lateral Sclerosis. Identifiers: Orphanet 275872, MedGen C5779877, MONDO:0007105, OMIM 105550.

Allele frequency attached by ClinVar (database versions not stated): gnomAD exomes below 0.00001.
gnomAD v4.1: 3 of 1,613,008 alleles (0.00019%); highest among the groups gnomAD compares: Non-Finnish European, 0.00025%; no homozygotes.

Submissions (2):

Labcorp Genetics (formerly Invitae), Labcorp
Classification: Uncertain significance for Paget disease of bone 2, early-onset; Frontotemporal dementia and/or amyotrophic lateral sclerosis 1. Last evaluated: 2025-10-23. Review status: criteria provided, single submitter. Criteria: Invitae Variant Classification Sherloc (09022015). Collection method: clinical testing. Allele origin: germline.
Comment: This sequence change falls in intron 5 of the SQSTM1 gene. It does not directly change the encoded amino acid sequence of the SQSTM1 protein. It affects a nucleotide within the consensus splice site. This variant is not present in population databases (gnomAD no frequency). This variant has not been reported in the literature in individuals affected with SQSTM1-related conditions. ClinVar contains an entry for this variant (Variation ID: 2950725). Variants that disrupt the consensus splice site are a relatively common cause of aberrant splicing (PMID: 17576681, 9536098). Algorithms developed to predict the effect of sequence changes on RNA splicing suggest that this variant may disrupt the consensus splice site. In summary, the available evidence is currently insufficient to determine the role of this variant in disease. Therefore, it has been classified as a Variant of Uncertain Significance.

GeneDx
Classification: Uncertain significance. Last evaluated: 2025-06-20. Review status: criteria provided, single submitter. Criteria: GeneDx Variant Classification Process June 2021. Collection method: clinical testing. Allele origin: germline.
Comment: Not observed at significant frequency in large population cohorts (gnomAD); In silico analysis supports a deleterious effect on splicing; Has not been previously published as pathogenic or benign to our knowledge

Literature cited by the submitters: PubMed 17576681 (cited by Labcorp Genetics (formerly Invitae), Labcorp); PubMed 9536098 (cited by Labcorp Genetics (formerly Invitae), Labcorp).

NM_003900.5(SQSTM1):c.754+5G>A

Gene: SQSTM1 (sequestosome 1; plus strand). Cytogenetic location: 5q35.3.
Variant type: single nucleotide variant.
Coding change: c.754+5G>A on transcript NM_003900.5 (MANE Select); 5 bases into the intron after coding-DNA position 754, G replaced by A.
Molecular consequence: intron variant.
Genome position (GRCh38, 1-based): chr5:179,825,231, G>A. VCF-style: chr5-179825231-G-A. GRCh37 (hg19) VCF-style: chr5-179252231-G-A.
Other names: c.502+5G>A (NM_001142298.2, NM_001142299.2).
Identifiers: ClinVar variation 2950725 (VCV002950725.5), dbSNP rs2480219235, ClinGen allele CA2578507916.